The following is an entry in ClinVar:

ClinVar aggregate classification (germline): Uncertain significance (1 of 4 stars; one submission).

Allele frequency attached by ClinVar (database versions not stated): gnomAD exomes below 0.00001.
gnomAD v4.1: 2 of 1,613,924 alleles (0.00012%); highest among the groups gnomAD compares: Non-Finnish European, 0.00017%; no homozygotes.

Submission:

Labcorp Genetics (formerly Invitae), Labcorp
Classification: Uncertain significance. Last evaluated: 2022-08-20. Review status: criteria provided, single submitter. Criteria: Invitae Variant Classification Sherloc (09022015). Collection method: clinical testing. Allele origin: germline.
Comment: This sequence change replaces aspartic acid, which is acidic and polar, with glycine, which is neutral and non-polar, at codon 339 of the P3H2 protein (p.Asp339Gly). This variant is not present in population databases (gnomAD no frequency). This variant has not been reported in the literature in individuals affected with P3H2-related conditions. Algorithms developed to predict the effect of missense changes on protein structure and function are either unavailable or do not agree on the potential impact of this missense change (SIFT: "Deleterious"; PolyPhen-2: "Possibly Damaging"; Align-GVGD: "Class C15"). In summary, the available evidence is currently insufficient to determine the role of this variant in disease. Therefore, it has been classified as a Variant of Uncertain Significance.

NM_018192.4(P3H2):c.1016A>G (p.Asp339Gly)

Gene: P3H2 (prolyl 3-hydroxylase 2; minus strand). Cytogenetic location: 3q28.
Variant type: single nucleotide variant.
Coding change: c.1016A>G on transcript NM_018192.4 (MANE Select); coding-DNA position 1016, A replaced by G.
Protein change: p.Asp339Gly; replaces aspartic acid 339 with glycine.
Molecular consequence: missense variant.
Genome position (GRCh38, 1-based): chr3:189,987,609, T>C on the plus strand (A>G on the coding strand, the complement: P3H2 is on the minus strand). VCF-style: chr3-189987609-T-C. GRCh37 (hg19) VCF-style: chr3-189705398-T-C.
Other names: c.473A>G, p.Asp158Gly (NM_001134418.2); short protein forms D158G, D339G.
Identifiers: ClinVar variation 2001487 (VCV002001487.1), dbSNP rs1411490023, ClinGen allele CA355757800.